The following is an entry in ClinVar:

ClinVar aggregate classification (germline): Uncertain significance (1 of 4 stars; one submission).

Conditions:
Werner syndrome (WRN). Identifiers: Orphanet 902, MedGen C0043119, MONDO:0010196, OMIM 277700.

Submission:

Labcorp Genetics (formerly Invitae), Labcorp
Classification: Uncertain significance for Werner syndrome. Last evaluated: 2019-04-03. Review status: criteria provided, single submitter. Criteria: Invitae Variant Classification Sherloc (09022015). Collection method: clinical testing. Allele origin: germline.
Comment: Algorithms developed to predict the effect of missense changes on protein structure and function are either unavailable or do not agree on the potential impact of this missense change (SIFT: "Tolerated"; PolyPhen-2: "Probably Damaging"; Align-GVGD: "Class C0"). In summary, the available evidence is currently insufficient to determine the role of this variant in disease. Therefore, it has been classified as a Variant of Uncertain Significance. This variant has not been reported in the literature in individuals with WRN-related conditions. This variant is not present in population databases (ExAC no frequency). This sequence change replaces threonine with arginine at codon 777 of the WRN protein (p.Thr777Arg). The threonine residue is moderately conserved and there is a moderate physicochemical difference between threonine and arginine.

NM_000553.6(WRN):c.2330C>G (p.Thr777Arg)

Gene: WRN (WRN RecQ like helicase; plus strand). Cytogenetic location: 8p12.
Variant type: single nucleotide variant.
Coding change: c.2330C>G on transcript NM_000553.6 (MANE Select); coding-DNA position 2330, C replaced by G.
Protein change: p.Thr777Arg; replaces threonine 777 with arginine.
Molecular consequence: missense variant.
Genome position (GRCh38, 1-based): chr8:31,116,410, C>G. VCF-style: chr8-31116410-C-G. GRCh37 (hg19) VCF-style: chr8-30973926-C-G.
Other names: short protein forms T777R.
Identifiers: ClinVar variation 835586 (VCV000835586.5), dbSNP rs1801520843, ClinGen allele CA370913540.
Genomic context (GRCh38, chr8:31,116,410, plus strand): 5'-TTAGTTCCCACTGGGAATTTGAAGGTCCAACAATCATCTACTGTCCTTCTAGAAAAATGA[C>G]ACAACAAGTTACAGGTGAACTTAGGAAACTGAATCTATCCTGTGGAACATACCATGCGGG-3'
Protein context (NP_000544.2, residues 767-787): TIIYCPSRKM[Thr777Arg]QQVTGELRKL